The following is an entry in ClinVar:

NM_138576.4(BCL11B):c.1977G>A (p.Ala659=)

Gene: BCL11B (BCL11 transcription factor B; minus strand). Cytogenetic location: 14q32.2.
Variant type: single nucleotide variant.
Coding change: c.1977G>A on transcript NM_138576.4 (MANE Select); coding-DNA position 1977, G replaced by A.
Protein change: p.Ala659=; no amino-acid change (alanine 659 retained).
Molecular consequence: synonymous variant.
Genome position (GRCh38, 1-based): chr14:99,174,859, C>T on the plus strand (G>A on the coding strand, the complement: BCL11B is on the minus strand). VCF-style: chr14-99174859-C-T. GRCh37 (hg19) VCF-style: chr14-99641196-C-T.
Other names: c.1974G>A, p.Ala658= (NM_001282237.2); c.1761G>A, p.Ala587= (NM_001282238.2); c.1764G>A, p.Ala588= (NM_022898.3).
Identifiers: ClinVar variation 3771755 (VCV003771755.14).

ClinVar aggregate classification (germline): Likely benign. Review status: criteria provided, multiple submitters, no conflicts (2 of 4 stars). 2 submissions from 2 submitters: Likely benign (2). Last evaluated 2024-12-01.

gnomAD v4.1: 1 of 1,210,862 alleles (0.000083%); highest among the groups gnomAD compares: South Asian, 0.0035%; no homozygotes.

Submissions (2):

CeGaT Center for Human Genetics Tuebingen
Classification: Likely benign. Last evaluated: 2024-12-01. Review status: criteria provided, single submitter. Criteria: CeGaT Center For Human Genetics Tuebingen Variant Classification Criteria Version 2. Collection method: clinical testing. Allele origin: germline. Affected: yes. Observed: 1 variant allele.
Comment: BCL11B: BP4, BP7

Blueprint Genetics
Classification: Likely benign. Last evaluated: 2021-09-08. Review status: criteria provided, single submitter. Criteria: ACMG Guidelines, 2015. Collection method: clinical testing. Allele origin: germline.